The following is an entry in ClinVar:

NM_000702.4(ATP1A2):c.1132A>G (p.Thr378Ala)

Gene: ATP1A2 (ATPase Na+/K+ transporting subunit alpha 2; plus strand). Cytogenetic location: 1q23.2.
Variant type: single nucleotide variant.
Coding change: c.1132A>G on transcript NM_000702.4 (MANE Select); coding-DNA position 1132, A replaced by G.
Protein change: p.Thr378Ala; replaces threonine 378 with alanine.
Molecular consequence: missense variant.
Genome position (GRCh38, 1-based): chr1:160,128,766, A>G. VCF-style: chr1-160128766-A-G. GRCh37 (hg19) VCF-style: chr1-160098556-A-G.
Other names: short protein forms T378A.
Identifiers: ClinVar variation 1719615 (VCV001719615.5), dbSNP rs2524868159, ClinGen allele CA343239499.
Genomic context (GRCh38, chr1:160,128,766, plus strand): 5'-AACCTGGAGGCGGTGGAGACGCTGGGCTCCACGTCCACCATCTGCTCGGACAAGACGGGC[A>G]CCCTCACCCAGAACCGCATGACCGTCGCCCACATGTGGTTCGACAACCAAATCCATGAGG-3'
Protein context (NP_000693.1, residues 368-388): TSTICSDKTG[Thr378Ala]LTQNRMTVAH

ClinVar aggregate classification (germline): Uncertain significance (1 of 4 stars; one submission).

Conditions:
Familial hemiplegic migraine. Identifiers: MedGen C0338484, MONDO:0000700.

Submission:

Labcorp Genetics (formerly Invitae), Labcorp
Classification: Uncertain significance for Familial hemiplegic migraine. Last evaluated: 2025-02-24. Review status: criteria provided, single submitter. Criteria: Invitae Variant Classification Sherloc (09022015). Collection method: clinical testing. Allele origin: germline.
Comment: This sequence change replaces threonine, which is neutral and polar, with alanine, which is neutral and non-polar, at codon 378 of the ATP1A2 protein (p.Thr378Ala). This variant is not present in population databases (gnomAD no frequency). This missense change has been observed in individual(s) with clinical features of ATP1A2-related conditions (internal data). ClinVar contains an entry for this variant (Variation ID: 1719615). Invitae Evidence Modeling of protein sequence and biophysical properties (such as structural, functional, and spatial information, amino acid conservation, physicochemical variation, residue mobility, and thermodynamic stability) indicates that this missense variant is expected to disrupt ATP1A2 protein function with a positive predictive value of 80%. This variant disrupts the p.Thr378 amino acid residue in ATP1A2. Other variant(s) that disrupt this residue have been determined to be pathogenic (internal data). This suggests that this residue is clinically significant, and that variants that disrupt this residue are likely to be disease-causing. In summary, the available evidence is currently insufficient to determine the role of this variant in disease. Therefore, it has been classified as a Variant of Uncertain Significance.